The following is an entry in ClinVar:

ClinVar aggregate classification (germline): Uncertain significance (1 of 4 stars; one submission).

Allele frequency attached by ClinVar (database versions not stated): TOPMed below 0.00001; gnomAD 0.00001.
gnomAD v4.1: 1 of 1,613,930 alleles (0.000062%); highest among the groups gnomAD compares: Admixed American, 0.0017%; no homozygotes.

Submission:

Labcorp Genetics (formerly Invitae), Labcorp
Classification: Uncertain significance. Last evaluated: 2022-06-15. Review status: criteria provided, single submitter. Criteria: Invitae Variant Classification Sherloc (09022015). Collection method: clinical testing. Allele origin: germline.
Comment: This sequence change replaces isoleucine, which is neutral and non-polar, with valine, which is neutral and non-polar, at codon 1639 of the PCDH15 protein (p.Ile1639Val). This variant is not present in population databases (gnomAD no frequency). This variant has not been reported in the literature in individuals affected with PCDH15-related conditions. Algorithms developed to predict the effect of missense changes on protein structure and function (SIFT, PolyPhen-2, Align-GVGD) all suggest that this variant is likely to be tolerated. In summary, the available evidence is currently insufficient to determine the role of this variant in disease. Therefore, it has been classified as a Variant of Uncertain Significance.

NM_033056.4(PCDH15):c.4915A>G (p.Ile1639Val)

Gene: PCDH15 (protocadherin related 15; minus strand). Cytogenetic location: 10q21.1.
Variant type: single nucleotide variant.
Coding change: c.4915A>G on transcript NM_033056.4 (MANE Plus Clinical); coding-DNA position 4915, A replaced by G.
Protein change: p.Ile1639Val; replaces isoleucine 1639 with valine.
Molecular consequence: missense variant. On other transcripts: intron variant (8).
Genome position (GRCh38, 1-based): chr10:53,822,811, T>C on the plus strand (A>G on the coding strand, the complement: PCDH15 is on the minus strand). VCF-style: chr10-53822811-T-C. GRCh37 (hg19) VCF-style: chr10-55582571-T-C.
Other names: c.4936A>G, p.Ile1646Val (NM_001142763.2); c.4921A>G, p.Ile1641Val (NM_001142764.2); c.4708A>G, p.Ile1570Val (NM_001142765.2); c.4906A>G, p.Ile1636Val (NM_001142766.2); c.4795A>G, p.Ile1599Val (NM_001142767.2); c.4855A>G, p.Ile1619Val (NM_001142768.2); c.4846A>G, p.Ile1616Val (NM_001142773.2); c.4849A>G, p.Ile1617Val (NM_001354404.2); and 6 more; short protein forms I1570V, I1616V, I1599V, I1636V, I1617V, I1641V, I1646V, I1619V.
Identifiers: ClinVar variation 2160496 (VCV002160496.1), dbSNP rs996873853, ClinGen allele CA207220087.